The following is an entry in ClinVar:

NM_016111.4(TELO2):c.986G>A (p.Arg329His)

Gene: TELO2 (telomere maintenance 2; plus strand). Cytogenetic location: 16p13.3.
Variant type: single nucleotide variant.
Coding change: c.986G>A on transcript NM_016111.4 (MANE Select); coding-DNA position 986, G replaced by A.
Protein change: p.Arg329His; replaces arginine 329 with histidine.
Molecular consequence: missense variant.
Genome position (GRCh38, 1-based): chr16:1,500,148, G>A. VCF-style: chr16-1500148-G-A. GRCh37 (hg19) VCF-style: chr16-1550149-G-A.
Other names: c.986G>A (NM_016111.3); c.986G>A, p.Arg329His (NM_001351846.2); short protein forms R329H.
Identifiers: ClinVar variation 2160652 (VCV002160652.5), dbSNP rs370184610, ClinGen allele CA7811879.

ClinVar aggregate classification (germline): Uncertain significance. Review status: criteria provided, multiple submitters, no conflicts (2 of 4 stars). 2 submissions from 2 submitters: Uncertain significance (2). Last evaluated 2024-11-18.

Conditions:
Inborn genetic diseases. Identifiers: MedGen C0950123, MeSH D030342.

Allele frequency attached by ClinVar (database versions not stated): ExAC 0.00004; gnomAD 0.00005; TOPMed 0.00005; ESP Exome Variant Server 0.00008.
gnomAD v4.1: 23 of 1,605,952 alleles (0.0014%); highest among the groups gnomAD compares: Middle Eastern, 0.019%; no homozygotes.

Submissions (2):

Labcorp Genetics (formerly Invitae), Labcorp
Classification: Uncertain significance. Last evaluated: 2024-11-18. Review status: criteria provided, single submitter. Criteria: Invitae Variant Classification Sherloc (09022015). Collection method: clinical testing. Allele origin: germline.
Comment: This sequence change replaces arginine, which is basic and polar, with histidine, which is basic and polar, at codon 329 of the TELO2 protein (p.Arg329His). This variant is present in population databases (rs370184610, gnomAD 0.04%). This variant has not been reported in the literature in individuals affected with TELO2-related conditions. ClinVar contains an entry for this variant (Variation ID: 2160652). Invitae Evidence Modeling of protein sequence and biophysical properties (such as structural, functional, and spatial information, amino acid conservation, physicochemical variation, residue mobility, and thermodynamic stability) indicates that this missense variant is expected to disrupt TELO2 protein function with a positive predictive value of 95%. In summary, the available evidence is currently insufficient to determine the role of this variant in disease. Therefore, it has been classified as a Variant of Uncertain Significance.

Ambry Genetics
Classification: Uncertain significance for Inborn genetic diseases. Last evaluated: 2021-03-08. Review status: criteria provided, single submitter. Criteria: Ambry Variant Classification Scheme 2023. Collection method: clinical testing. Allele origin: germline.
Comment: The c.986G>A (p.R329H) alteration is located in exon 7 (coding exon 6) of the TELO2 gene. This alteration results from a G to A substitution at nucleotide position 986, causing the arginine (R) at amino acid position 329 to be replaced by a histidine (H). The p.R329H alteration is predicted to be tolerated by in silico analysis. Based on insufficient or conflicting evidence, the clinical significance of this alteration remains unclear.